The following is an entry in ClinVar:

ClinVar aggregate classification (germline): Benign/Likely benign. Review status: criteria provided, multiple submitters, no conflicts (2 of 4 stars). 3 submissions from 3 submitters: Benign (1); Likely benign (2). Last evaluated 2025-12-06.

Conditions:
Combined immunodeficiency due to DOCK8 deficiency (HIES2). Also called: HIES autosomal recessive; Hyper-IgE recurrent infection syndrome, autosomal recessive; DOCK8 Deficiency; HYPER-IgE SYNDROME 2, AUTOSOMAL RECESSIVE, WITH RECURRENT INFECTIONS; HYPER-IgE RECURRENT INFECTION SYNDROME 2, AUTOSOMAL RECESSIVE. Identifiers: Orphanet 217390, MedGen C4722305, MONDO:0009478, OMIM 243700.

Allele frequency attached by ClinVar (database versions not stated): gnomAD 0.00001; gnomAD exomes 0.00001; TOPMed 0.00001; ExAC 0.00002.
gnomAD v4.1: 10 of 1,613,860 alleles (0.00062%); highest among the groups gnomAD compares: East Asian, 0.0067%; no homozygotes.

Submissions (3):

Labcorp Genetics (formerly Invitae), Labcorp
Classification: Likely benign for Combined immunodeficiency due to DOCK8 deficiency. Last evaluated: 2025-12-06. Review status: criteria provided, single submitter. Criteria: Invitae Variant Classification Sherloc (09022015). Collection method: clinical testing. Allele origin: germline.

Blueprint Genetics
Classification: Likely benign. Last evaluated: 2022-03-11. Review status: criteria provided, single submitter. Criteria: ACMG Guidelines, 2015. Collection method: clinical testing. Allele origin: germline.

GeneDx
Classification: Benign. Last evaluated: 2015-03-06. Review status: criteria provided, single submitter. Criteria: GeneDx Variant Classification (06012015). Collection method: clinical testing. Allele origin: germline. Affected: yes.
Comment: This variant is considered likely benign or benign based on one or more of the following criteria: it is a conservative change, it occurs at a poorly conserved position in the protein, it is predicted to be benign by multiple in silico algorithms, and/or has population frequency not consistent with disease.

NM_203447.4(DOCK8):c.267C>T (p.Asp89=)

Genes: DOCK8 (dedicator of cytokinesis 8; plus strand), LOC126860552 (BRD4-independent group 4 enhancer GRCh37_chr9:285795-286994; plus strand). Cytogenetic location: 9p24.3.
Variant type: single nucleotide variant.
Coding change: c.267C>T on transcript NM_203447.4 (MANE Select); coding-DNA position 267, C replaced by T.
Protein change: p.Asp89=; no amino-acid change (aspartic acid 89 retained).
Molecular consequence: synonymous variant.
Genome position (GRCh38, 1-based): chr9:286,571, C>T. VCF-style: chr9-286571-C-T. GRCh37 (hg19) VCF-style: chr9-286571-C-T.
Other names: c.63C>T, p.Asp21= (NM_001190458.2, NM_001193536.2).
Identifiers: ClinVar variation 377793 (VCV000377793.3), dbSNP rs770313916, ClinGen allele CA4957147.